The following is an entry in ClinVar:

NM_000360.4(TH):c.541A>T (p.Thr181Ser)

Gene: TH (tyrosine hydroxylase; minus strand). Cytogenetic location: 11p15.5.
Variant type: single nucleotide variant.
Coding change: c.541A>T on transcript NM_000360.4 (MANE Select); coding-DNA position 541, A replaced by T.
Protein change: p.Thr181Ser; replaces threonine 181 with serine.
Molecular consequence: missense variant.
Genome position (GRCh38, 1-based): chr11:2,168,126, T>A on the plus strand (A>T on the coding strand, the complement: TH is on the minus strand). VCF-style: chr11-2168126-T-A. GRCh37 (hg19) VCF-style: chr11-2189356-T-A.
Other names: c.634A>T, p.Thr212Ser (NM_199292.3); c.622A>T, p.Thr208Ser (NM_199293.3); short protein forms T212S, T208S, T181S.
Identifiers: ClinVar variation 1473647 (VCV001473647.6), dbSNP rs774561953, ClinGen allele CA5818627.

ClinVar aggregate classification (germline): Uncertain significance. Review status: criteria provided, multiple submitters, no conflicts (2 of 4 stars). 2 submissions from 2 submitters: Uncertain significance (2). Last evaluated 2021-08-24.

Conditions:
TH-deficient dopa-responsive dystonia. Also called: Tyrosine Hydroxylase-Deficient Dopa-Responsive Dystonia; Segawa syndrome, autosomal recessive; DYT-TH. Identifiers: Orphanet 101150, MedGen C2673535, MONDO:0011551, OMIM 605407.

Allele frequency attached by ClinVar (database versions not stated): gnomAD 0.00001; TOPMed 0.00001; ExAC 0.00002; gnomAD exomes 0.00003 and 0.00007.
gnomAD v4.1: 95 of 1,613,442 alleles (0.0059%); highest among the groups gnomAD compares: Non-Finnish European, 0.0079%; no homozygotes.

Submissions (2):

Fulgent Genetics
Classification: Uncertain significance for TH-deficient dopa-responsive dystonia. Last evaluated: 2021-08-24. Review status: criteria provided, single submitter. Criteria: ACMG Guidelines, 2015. Collection method: clinical testing. Allele origin: unknown.

Labcorp Genetics (formerly Invitae), Labcorp
Classification: Uncertain significance for TH-deficient dopa-responsive dystonia. Last evaluated: 2021-08-24. Review status: criteria provided, single submitter. Criteria: Invitae Variant Classification Sherloc (09022015). Collection method: clinical testing. Allele origin: germline.
Comment: This sequence change replaces threonine with serine at codon 212 of the TH protein (p.Thr212Ser). The threonine residue is highly conserved and there is a small physicochemical difference between threonine and serine. This variant is present in population databases (rs774561953, ExAC 0.003%). This variant has not been reported in the literature in individuals affected with TH-related conditions. Algorithms developed to predict the effect of missense changes on protein structure and function are either unavailable or do not agree on the potential impact of this missense change (SIFT: "Deleterious"; PolyPhen-2: "Benign"; Align-GVGD: "Class C55"). In summary, the available evidence is currently insufficient to determine the role of this variant in disease. Therefore, it has been classified as a Variant of Uncertain Significance.